The following is an entry in ClinVar:

NM_001401501.2(MUC16):c.44991C>G (p.Pro14997=)

Gene: MUC16 (mucin 16, cell surface associated; minus strand). Cytogenetic location: 19p13.2.
Variant type: single nucleotide variant.
Coding change: c.44991C>G on transcript NM_001401501.2 (MANE Select); coding-DNA position 44991, C replaced by G.
Protein change: p.Pro14997=; no amino-acid change (proline 14997 retained).
Molecular consequence: synonymous variant.
Genome position (GRCh38, 1-based): chr19:8,865,687, G>C on the plus strand (C>G on the coding strand, the complement: MUC16 is on the minus strand). VCF-style: chr19-8865687-G-C. GRCh37 (hg19) VCF-style: chr19-8976363-G-C.
Other names: c.45417C>G, p.Pro15139= (NM_001414686.1); c.44871C>G, p.Pro14957= (NM_001414687.1); c.42465C>G, p.Pro14155= (NM_024690.2).
Identifiers: ClinVar variation 2649217 (VCV002649217.24), dbSNP rs758677164, ClinGen allele CA9162364.

ClinVar aggregate classification (germline): Likely benign (1 of 4 stars; one submission).

Submission:

CeGaT Center for Human Genetics Tuebingen
Classification: Likely benign. Last evaluated: 2022-12-01. Review status: criteria provided, single submitter. Criteria: CeGaT Center For Human Genetics Tuebingen Variant Classification Criteria Version 2. Collection method: clinical testing. Allele origin: germline. Affected: yes. Observed: 1 variant allele.
Comment: MUC16: BP4, BP7